The following is an entry in ClinVar:

ClinVar aggregate classification (germline): Uncertain significance (1 of 4 stars; one submission).

Submission:

Labcorp Genetics (formerly Invitae), Labcorp
Classification: Uncertain significance. Last evaluated: 2020-07-02. Review status: criteria provided, single submitter. Criteria: Invitae Variant Classification Sherloc (09022015). Collection method: clinical testing. Allele origin: germline.
Comment: In summary, the available evidence is currently insufficient to determine the role of this variant in disease. Therefore, it has been classified as a Variant of Uncertain Significance. Algorithms developed to predict the effect of missense changes on protein structure and function are either unavailable or do not agree on the potential impact of this missense change (SIFT: "Deleterious"; PolyPhen-2: "Benign"; Align-GVGD: "Class C0"). This variant has not been reported in the literature in individuals with CACNA2D4-related conditions. This variant is not present in population databases (ExAC no frequency). This sequence change replaces isoleucine with phenylalanine at codon 526 of the CACNA2D4 protein (p.Ile526Phe). The isoleucine residue is highly conserved and there is a small physicochemical difference between isoleucine and phenylalanine.

NM_172364.5(CACNA2D4):c.1576A>T (p.Ile526Phe)

Gene: CACNA2D4 (calcium voltage-gated channel auxiliary subunit alpha2delta 4; minus strand). Cytogenetic location: 12p13.33.
Variant type: single nucleotide variant.
Coding change: c.1576A>T on transcript NM_172364.5 (MANE Select); coding-DNA position 1576, A replaced by T.
Protein change: p.Ile526Phe; replaces isoleucine 526 with phenylalanine.
Molecular consequence: missense variant.
Genome position (GRCh38, 1-based): chr12:1,879,024, T>A on the plus strand (A>T on the coding strand, the complement: CACNA2D4 is on the minus strand). VCF-style: chr12-1879024-T-A. GRCh37 (hg19) VCF-style: chr12-1988190-T-A.
Other names: short protein forms I526F.
Identifiers: ClinVar variation 1056696 (VCV001056696.9), dbSNP rs2154449441, ClinGen allele CA383354116.
Genomic context (GRCh38, chr12:1,879,024, plus strand): 5'-GGGGCGCCAGCTTCATCAGCTCTCTCAGGGCCACATCTGAGCCCACCACACCCAGGAGAA[T>A]GCCATGGGATCGCTGGAAGGAAAGACACAAGGGGTGGGGGAGACCCAGCTTCCCTGTGTA-3'
Protein context (NP_758952.4, residues 516-536): SKKNETRSHG[Ile526Phe]LLGVVGSDVA